The following is an entry in ClinVar:

NM_000044.6(AR):c.967G>T (p.Glu323Ter)

Gene: AR (androgen receptor; plus strand). Cytogenetic location: Xq12.
Variant type: single nucleotide variant.
Coding change: c.967G>T on transcript NM_000044.6 (MANE Select); coding-DNA position 967, G replaced by T.
Protein change: p.Glu323Ter; replaces glutamic acid 323 with a stop codon.
Molecular consequence: nonsense. On other transcripts: 5 prime UTR variant (1).
Genome position (GRCh38, 1-based): chrX:67,546,113, G>T. VCF-style: chrX-67546113-G-T. GRCh37 (hg19) VCF-style: chrX-66765955-G-T.
Other names: c.-817G>T (NM_001011645.3); c.967G>T, p.Glu323Ter (NM_001348061.1, NM_001348063.1, NM_001348064.1); short protein forms E323*.
Identifiers: ClinVar variation 2101387 (VCV002101387.5), dbSNP rs1021234843, ClinGen allele CA413426027.
Genomic context (GRCh38, chrX:67,546,113, plus strand): 5'-ACTGAAGATACTGCTGAGTATTCCCCTTTCAAGGGAGGTTACACCAAAGGGCTAGAAGGC[G>T]AGAGCCTAGGCTGCTCTGGCAGCGCTGCAGCAGGGAGCTCCGGGACACTTGAACTGCCGT-3'

ClinVar aggregate classification (germline): Pathogenic/Likely pathogenic. Review status: criteria provided, multiple submitters, no conflicts (2 of 4 stars). 2 submissions from 2 submitters: Pathogenic (1); Likely pathogenic (1). Last evaluated 2022-04-08.

Conditions:
Androgen resistance syndrome (AIS). Also called: ANDROGEN RECEPTOR DEFICIENCY; DIHYDROTESTOSTERONE RECEPTOR DEFICIENCY; TESTICULAR FEMINIZATION SYNDROME; Androgen insensitivity syndrome due to coactivator deficiency; Androgen insensitivity syndrome; Androgen insensitivity. Identifiers: Orphanet 754, Orphanet 99429, MedGen C0039585, MONDO:0019154, OMIM 300068. Disease mechanism: loss of function.
Kennedy disease (SMAX1). Also called: SPINAL AND BULBAR MUSCULAR ATROPHY, X-LINKED 1; KENNEDY SPINAL AND BULBAR MUSCULAR ATROPHY; Spinal and Bulbar Muscular Atrophy. Identifiers: Orphanet 481, MedGen C1839259, MONDO:0010735, OMIM 313200.

Submissions (2):

Labcorp Genetics (formerly Invitae), Labcorp
Classification: Pathogenic for Kennedy disease; Androgen resistance syndrome. Last evaluated: 2022-04-08. Review status: criteria provided, single submitter. Criteria: Invitae Variant Classification Sherloc (09022015). Collection method: clinical testing. Allele origin: germline.
Comment: This sequence change creates a premature translational stop signal (p.Glu323*) in the AR gene. It is expected to result in an absent or disrupted protein product. Loss-of-function variants in AR are known to be pathogenic (PMID: 19463997). This variant is not present in population databases (gnomAD no frequency). This variant has not been reported in the literature in individuals affected with AR-related conditions. For these reasons, this variant has been classified as Pathogenic.

Molecular Genetics Department, Kulakov National Medical Research Center for Obstetrics, Gynecology and Perinatology
Classification: Likely pathogenic for Androgen resistance syndrome. Review status: criteria provided, single submitter. Criteria: ACMG Guidelines, 2015. Collection method: clinical testing. Allele origin: germline. Affected: yes. Observed: 1 variant allele.
Comment: A previously undescribed hemizygous nucleotide variant creates a premature translation stop signal p.Glu323Ter in the AR gene. Hemizygous variants are reported in patients with androgen insensitivity, 300068. The variant is not present in population database (gnomAD no frequency). In summary, the currently available evidence indicates that the variant is pathogenic, but additional data are needed to prove that conclusively. Therefore, this variant has been classified as likely pathogenic.

Literature cited by the submitters: PubMed 19463997 (cited by Labcorp Genetics (formerly Invitae), Labcorp).